The following is an entry in ClinVar:

ClinVar aggregate classification (germline): Uncertain significance (1 of 4 stars; one submission).

Conditions:
Familial adenomatous polyposis 1 (FAP1). Also called: POLYPOSIS, ADENOMATOUS INTESTINAL; FAMILIAL ADENOMATOUS POLYPOSIS 1, ATTENUATED. Identifiers: MedGen C2713442, MONDO:0021056, OMIM 175100. Disease mechanism: loss of function.

Submission:

Labcorp Genetics (formerly Invitae), Labcorp
Classification: Uncertain significance for Familial adenomatous polyposis 1. Last evaluated: 2024-02-29. Review status: criteria provided, single submitter. Criteria: Invitae Variant Classification Sherloc (09022015). Collection method: clinical testing. Allele origin: germline.
Comment: This sequence change replaces serine, which is neutral and polar, with cysteine, which is neutral and slightly polar, at codon 2029 of the APC protein (p.Ser2029Cys). This variant is not present in population databases (gnomAD no frequency). This variant has not been reported in the literature in individuals affected with APC-related conditions. Advanced modeling of protein sequence and biophysical properties (such as structural, functional, and spatial information, amino acid conservation, physicochemical variation, residue mobility, and thermodynamic stability) performed at Invitae indicates that this missense variant is not expected to disrupt APC protein function with a negative predictive value of 95%. In summary, the available evidence is currently insufficient to determine the role of this variant in disease. Therefore, it has been classified as a Variant of Uncertain Significance.

NM_000038.6(APC):c.6086C>G (p.Ser2029Cys)

Gene: APC (APC regulator of Wnt signaling pathway; plus strand). Cytogenetic location: 5q22.2.
Variant type: single nucleotide variant.
Coding change: c.6086C>G on transcript NM_000038.6 (MANE Select); coding-DNA position 6086, C replaced by G.
Protein change: p.Ser2029Cys; replaces serine 2029 with cysteine.
Molecular consequence: missense variant. On other transcripts: non-coding transcript variant (2).
Genome position (GRCh38, 1-based): chr5:112,841,680, C>G. VCF-style: chr5-112841680-C-G. GRCh37 (hg19) VCF-style: chr5-112177377-C-G.
Other names: c.6086C>G, p.Ser2029Cys (NM_001127510.3, NM_001354895.2, NM_001407450.1); c.6032C>G, p.Ser2011Cys (NM_001127511.3); c.6140C>G, p.Ser2047Cys (NM_001354896.2, NM_001407447.1, NM_001407448.1 and 1 more transcripts); c.6116C>G, p.Ser2039Cys (NM_001354897.2); c.6011C>G, p.Ser2004Cys (NM_001354898.2); c.6002C>G, p.Ser2001Cys (NM_001354899.2); c.5963C>G, p.Ser1988Cys (NM_001354900.2); c.5909C>G, p.Ser1970Cys (NM_001354901.2, NM_001407453.1); and 11 more; short protein forms S2011C, S2022C, S1746C, S1928C, S1938C, S1946C, S1970C, S2039C.
Identifiers: ClinVar variation 2703077 (VCV002703077.3), dbSNP rs2149956637, ClinGen allele CA16034654.